The following is an entry in ClinVar:

ClinVar aggregate classification (germline): Uncertain significance (1 of 4 stars; one submission).

Conditions:
Borjeson-Forssman-Lehmann syndrome (BFLS). Also called: BORJESON SYNDROME; MENTAL RETARDATION, X-LINKED, SYNDROMIC, BORJESON-FORSSMAN-LEHMANN TYPE; MENTAL RETARDATION, EPILEPSY, AND ENDOCRINE DISORDERS. Identifiers: Orphanet 127, MedGen C0265339, MONDO:0010537, OMIM 301900.

Submission:

Labcorp Genetics (formerly Invitae), Labcorp
Classification: Uncertain significance for Borjeson-Forssman-Lehmann syndrome. Last evaluated: 2022-04-09. Review status: criteria provided, single submitter. Criteria: Invitae Variant Classification Sherloc (09022015). Collection method: clinical testing. Allele origin: germline.
Comment: In summary, the available evidence is currently insufficient to determine the role of this variant in disease. Therefore, it has been classified as a Variant of Uncertain Significance. This variant has not been reported in the literature in individuals affected with PHF6-related conditions. This variant, c.1020_1022del, results in the deletion of 1 amino acid(s) of the PHF6 protein (p.Glu341del), but otherwise preserves the integrity of the reading frame. This variant is not present in population databases (gnomAD no frequency).

NM_001015877.2(PHF6):c.1020_1022del (p.Glu341del)

Gene: PHF6 (PHD finger protein 6; plus strand). Cytogenetic location: Xq26.2.
Variant type: Deletion.
Coding change: c.1020_1022del on transcript NM_001015877.2 (MANE Select); coding-DNA positions 1020 to 1022, 3 bases deleted (GGA; older notation c.1020_1022delGGA).
Protein change: p.Glu341del; deletes glutamic acid 341.
Molecular consequence: inframe deletion.
Genome position (GRCh38, 1-based): chrX:134,425,252-134,425,254, GGA deleted; deleting any 3 consecutive bases within chrX:134,425,250-134,425,254 gives the same sequence; the c. name uses the placement nearest the transcript's 3' end. VCF-style (leftmost placement, unchanged base first): chrX-134425249-TGAG-T. GRCh37 (hg19) VCF-style: chrX-133559279-TGAG-T.
Other names: c.1020_1022del, p.Glu341del (NM_032458.3); short protein forms E341del.
Identifiers: ClinVar variation 1931037 (VCV001931037.5), dbSNP rs2520675599, ClinGen allele CA2580101549.